The following is an entry in ClinVar:

ClinVar aggregate classification (germline): Pathogenic (1 of 4 stars; one submission).

Conditions:
Epidermolysis bullosa dystrophica. Also called: Dystrophic epidermolysis bullosa, Hallopeau-Siemens type (formerly); Dystrophic epidermolysis bullosa. Identifiers: Orphanet 303, MedGen C0079294, MONDO:0006543.

Submission:

Natera, Inc.
Classification: Pathogenic for Dystrophic epidermolysis bullosa. Last evaluated: 2025-05-15. Review status: criteria provided, single submitter. Criteria: Natera Variant Classification Schema (03/2026). Collection method: clinical testing. Allele origin: germline.
Comment: The c.846+1G>T variant in COL7A1 is a canonical splice donor site variant predicted to affect pre-mRNA splicing, which may result in an abnormal transcript and altered protein product. This variant is expected to result in nonsense mediated decay, truncation, or a dysfunctional protein product. This variant is rare in the general population with a frequency below the threshold expected for the associated phenotype(s). Another variant at this same site results in an alteration predicted to cause a similar molecular effect has been observed in individual(s) with the associated phenotype. Given the available evidence, this variant is classified as Pathogenic.

NM_000094.4(COL7A1):c.846+1G>T

Gene: COL7A1 (collagen type VII alpha 1 chain; minus strand). Cytogenetic location: 3p21.31.
Variant type: single nucleotide variant.
Coding change: c.846+1G>T on transcript NM_000094.4 (MANE Select); the canonical splice donor site of the intron after coding-DNA position 846, G replaced by T.
Molecular consequence: splice donor variant.
Genome position (GRCh38, 1-based): chr3:48,592,774, C>A on the plus strand (G>T on the coding strand, the complement: COL7A1 is on the minus strand). VCF-style: chr3-48592774-C-A. GRCh37 (hg19) VCF-style: chr3-48630207-C-A.
Identifiers: ClinVar variation 4065149 (VCV004065149.2).